The following is an entry in ClinVar:

ClinVar aggregate classification (germline): Pathogenic (1 of 4 stars; one submission).

Submission:

Labcorp Genetics (formerly Invitae), Labcorp
Classification: Pathogenic. Last evaluated: 2023-06-25. Review status: criteria provided, single submitter. Criteria: Invitae Variant Classification Sherloc (09022015). Collection method: clinical testing. Allele origin: germline.
Comment: For these reasons, this variant has been classified as Pathogenic. Advanced modeling of protein sequence and biophysical properties (such as structural, functional, and spatial information, amino acid conservation, physicochemical variation, residue mobility, and thermodynamic stability) performed at Invitae indicates that this missense variant is expected to disrupt COL4A3 protein function. This missense change has been observed in individuals with clinical features of Alport syndrome (PMID: 14582039; Invitae). It has also been observed to segregate with disease in related individuals. This variant is not present in population databases (gnomAD no frequency). This sequence change replaces glycine, which is neutral and non-polar, with valine, which is neutral and non-polar, at codon 464 of the COL4A3 protein (p.Gly464Val).

Literature cited by the submitters: PubMed 14582039.

NM_000091.5(COL4A3):c.1391G>T (p.Gly464Val)

Genes: COL4A3 (collagen type IV alpha 3 chain; plus strand), MFF-DT (MFF divergent transcript; minus strand). Cytogenetic location: 2q36.3.
Variant type: single nucleotide variant.
Coding change: c.1391G>T on transcript NM_000091.5 (MANE Select); coding-DNA position 1391, G replaced by T.
Protein change: p.Gly464Val; replaces glycine 464 with valine.
Molecular consequence: missense variant.
Genome position (GRCh38, 1-based): chr2:227,266,492, G>T. VCF-style: chr2-227266492-G-T. GRCh37 (hg19) VCF-style: chr2-228131208-G-T.
Other names: short protein forms G464V.
Identifiers: ClinVar variation 2734416 (VCV002734416.3), dbSNP rs2125981235, ClinGen allele CA350870189.
Genomic context (GRCh38, chr2:227,266,492, plus strand): 5'-GCAAGGGTCCACCTGGAGATCACGGACTGCCAGGCTATCTAGGGTCTCCAGGAATCCCAG[G>T]AGTTGATGGGCCCAAAGGTTGGTTCAATCAATAATGTTGTATTAGGATAAGCCTTTTTCA-3'
Protein context (NP_000082.2, residues 454-474): PGYLGSPGIP[Gly464Val]VDGPKGEPGL